The following is an entry in ClinVar:

ClinVar aggregate classification (germline): Uncertain significance (1 of 4 stars; one submission).

gnomAD v4.1: 1 of 1,602,656 alleles (0.000062%); highest among the groups gnomAD compares: East Asian, 0.0022%; no homozygotes.

Submission:

GeneDx
Classification: Uncertain significance. Last evaluated: 2024-11-26. Review status: criteria provided, single submitter. Criteria: GeneDx Variant Classification Process June 2021. Collection method: clinical testing. Allele origin: germline. Affected: yes.
Comment: Not observed at significant frequency in large population cohorts (gnomAD); In silico analysis supports that this missense variant has a deleterious effect on protein structure/function; Has not been previously published as pathogenic or benign to our knowledge

NM_001162501.2(TNRC6B):c.5318G>A (p.Gly1773Glu)

Gene: TNRC6B (trinucleotide repeat containing adaptor 6B; plus strand). Cytogenetic location: 22q13.1.
Variant type: single nucleotide variant.
Coding change: c.5318G>A on transcript NM_001162501.2 (MANE Select); coding-DNA position 5318, G replaced by A.
Protein change: p.Gly1773Glu; replaces glycine 1773 with glutamic acid.
Molecular consequence: missense variant.
Genome position (GRCh38, 1-based): chr22:40,323,057, G>A. VCF-style: chr22-40323057-G-A. GRCh37 (hg19) VCF-style: chr22-40719061-G-A.
Other names: c.2906G>A, p.Gly969Glu (NM_001024843.2); c.4988G>A, p.Gly1663Glu (NM_015088.3); short protein forms G1663E, G1773E, G969E.
Identifiers: ClinVar variation 3900851 (VCV003900851.1).